The following is an entry in ClinVar:

ClinVar aggregate classification (germline): Uncertain significance (1 of 4 stars; one submission).

Submission:

Ambry Genetics
Classification: Uncertain significance. Last evaluated: 2024-12-12. Review status: criteria provided, single submitter. Criteria: Ambry Variant Classification Scheme 2023. Collection method: clinical testing. Allele origin: germline.
Comment: The p.I518N variant (also known as c.1553T>A), located in coding exon 1 of the TET2 gene, results from a T to A substitution at nucleotide position 1553. The isoleucine at codon 518 is replaced by asparagine, an amino acid with dissimilar properties. This amino acid position is conserved. In addition, this alteration is predicted to be tolerated by in silico analysis. Based on the available evidence, the clinical significance of this variant remains unclear.

NM_001127208.3(TET2):c.1553T>A (p.Ile518Asn)

Genes: TET2 (tet methylcytosine dioxygenase 2; plus strand), TET2-AS1 (TET2 antisense RNA 1; minus strand). Cytogenetic location: 4q24.
Variant type: single nucleotide variant.
Coding change: c.1553T>A on transcript NM_001127208.3 (MANE Select); coding-DNA position 1553, T replaced by A.
Protein change: p.Ile518Asn; replaces isoleucine 518 with asparagine.
Molecular consequence: missense variant.
Genome position (GRCh38, 1-based): chr4:105,235,495, T>A. VCF-style: chr4-105235495-T-A. GRCh37 (hg19) VCF-style: chr4-106156652-T-A.
Other names: c.1553T>A, p.Ile518Asn (NM_017628.4); short protein forms I518N.
Identifiers: ClinVar variation 3805847 (VCV003805847.1).